The following is an entry in ClinVar:

ClinVar aggregate classification (germline): Pathogenic (1 of 4 stars; one submission).

Conditions:
Inborn genetic diseases. Identifiers: MedGen C0950123, MeSH D030342.

Submission:

Ambry Genetics
Classification: Pathogenic for Inborn genetic diseases. Last evaluated: 2025-10-09. Review status: criteria provided, single submitter. Criteria: Ambry Variant Classification Scheme 2023. Collection method: clinical testing. Allele origin: germline.
Comment: The c.3894C>A (p.Y1298*) alteration, located in exon 22 (coding exon 22) of the SHANK1 gene, consists of a C to A substitution at nucleotide position 3894. This changes the amino acid from a tyrosine (Y) to a stop codon at amino acid position 1298. This alteration is expected to result in loss of function by premature protein truncation or nonsense-mediated mRNA decay. This variant was not reported in population-based cohorts in the Genome Aggregation Database (gnomAD). Based on the available evidence, this alteration is classified as pathogenic.

NM_016148.5(SHANK1):c.3894C>A (p.Tyr1298Ter)

Gene: SHANK1 (SH3 and multiple ankyrin repeat domains 1; minus strand). Cytogenetic location: 19q13.33.
Variant type: single nucleotide variant.
Coding change: c.3894C>A on transcript NM_016148.5 (MANE Select); coding-DNA position 3894, C replaced by A.
Protein change: p.Tyr1298Ter; replaces tyrosine 1298 with a stop codon.
Molecular consequence: nonsense.
Genome position (GRCh38, 1-based): chr19:50,668,066, G>T on the plus strand (C>A on the coding strand, the complement: SHANK1 is on the minus strand). VCF-style: chr19-50668066-G-T. GRCh37 (hg19) VCF-style: chr19-51171323-G-T.
Other names: short protein forms Y1298*.
Identifiers: ClinVar variation 4630827 (VCV004630827.1).